The following is an entry in ClinVar:

ClinVar aggregate classification (germline): Likely benign. Review status: reviewed by expert panel (3 of 4 stars). 3 submissions from 3 submitters: Likely benign (1). 2 of the submissions do not count toward it. Last evaluated 2024-09-10.

Conditions:
Pulmonary arterial hypertension. Identifiers: Orphanet 182090, MedGen C2973725, MeSH D000081029, MONDO:0015924, HP:0002092.
Primary pulmonary hypertension. Also called: Idiopathic pulmonary hypertension. Identifiers: MedGen C0152171.
Inborn genetic diseases. Identifiers: MedGen C0950123, MeSH D030342.

Allele frequency attached by ClinVar (database versions not stated): 1000 Genomes Project 30x 0.00016; ExAC 0.00016; 1000 Genomes Project 0.00020; ESP Exome Variant Server 0.00038; gnomAD 0.00038 and 0.00041; TOPMed 0.00040.
gnomAD v4.1: 112 of 1,614,158 alleles (0.0069%); highest among the groups gnomAD compares: African/African-American, 0.11%; no homozygotes.

Submissions (3):

Clingen Pulmonary Hypertension Variant Curation Expert Panel, ClinGen
Classification: Likely benign for Pulmonary arterial hypertension. Last evaluated: 2024-09-10. Review status: reviewed by expert panel. Criteria: ClinGen PH ACMG Specifications BMPR2 V1.1.0. Collection method: curation. Allele origin: germline. Inheritance: Autosomal dominant inheritance.
Comment: The BMPR2 c.2656C>T variant is a missense variant predicted to cause an arginine to cysteine substitution at amino acid position 886. The highest population minor allele frequency in gnomAD v.2.1.1 controls is 0.1130% (11/9738 alleles) in the African/African American population. The population evidence available meets the threshold for BS1 (≥0.1%), but not for BA1 (>5%) or PM2 (<0.01%) as defined by the ClinGen Pulmonary Hypertension VCEP (PH-VCEP). Computational evidence for pathogenicity as evaluated by REVEL generated a score of 0.485 indicating that neither BP4 or PP3 were met since the threshold specified by the PH-VCEP is <0.25 and >0.75, respectively. The amino acid substitution occurs in the c-terminal domain, which is not a well-established functional domain, so PM1 was not met. Criteria not evaluated included PP1, PM6, and PS2 due to the absence of segregation data. BS3 and PS3 were not evaluated due to the lack of functional data for this variant. In summary, the variant meets the criteria to be classified as likely benign (LB) for pulmonary arterial hypertension based on the ACMG/AMP criteria applied, as specified by the ClinGen Pulmonary Hypertension VCEP: BS1 (VCEP specification version 1.1, 1/18/2024).

Labcorp Genetics (formerly Invitae), Labcorp
Classification: Likely benign for Primary pulmonary hypertension. Last evaluated: 2025-11-22. Review status: criteria provided, single submitter. Criteria: Invitae Variant Classification Sherloc (09022015). Collection method: clinical testing. Allele origin: germline. Not counted in ClinVar's aggregate classification.

Ambry Genetics
Classification: Uncertain significance for Inborn genetic diseases. Last evaluated: 2025-10-03. Review status: criteria provided, single submitter. Criteria: Ambry Variant Classification Scheme 2023. Collection method: clinical testing. Allele origin: germline. Not counted in ClinVar's aggregate classification.
Comment: The p.R886C variant (also known as c.2656C>T), located in coding exon 12 of the BMPR2 gene, results from a C to T substitution at nucleotide position 2656. The arginine at codon 886 is replaced by cysteine, an amino acid with highly dissimilar properties. This amino acid position is conserved. In addition, this alteration is predicted to be deleterious by in silico analysis. Since supporting evidence is limited at this time, the clinical significance of this alteration remains unclear.

NM_001204.7(BMPR2):c.2656C>T (p.Arg886Cys)

Gene: BMPR2 (bone morphogenetic protein receptor type 2; plus strand). Cytogenetic location: 2q33.2.
Variant type: single nucleotide variant.
Coding change: c.2656C>T on transcript NM_001204.7 (MANE Select); coding-DNA position 2656, C replaced by T.
Protein change: p.Arg886Cys; replaces arginine 886 with cysteine.
Molecular consequence: missense variant.
Genome position (GRCh38, 1-based): chr2:202,556,321, C>T. VCF-style: chr2-202556321-C-T. GRCh37 (hg19) VCF-style: chr2-203421044-C-T.
Other names: NM_001204.7(BMPR2):c.2656C>T; p.Arg886Cys; c.2656C>T (LRG_712t1); short protein forms R886C.
Identifiers: ClinVar variation 458626 (VCV000458626.16), dbSNP rs148770894, ClinGen allele CA2061559.